The following is an entry in ClinVar:

ClinVar aggregate classification (germline): Pathogenic (1 of 4 stars; one submission).

Conditions:
Developmental delay. Also called: Delayed development. Identifiers: MedGen C0424605.

Submission:

Clinical Genetics Laboratory, Skane University Hospital Lund
Classification: Pathogenic for Developmental delay. Last evaluated: 2025-03-14. Review status: criteria provided, single submitter. Criteria: ACMG Guidelines, 2015. Collection method: clinical testing. Allele origin: de novo. Inheritance: Autosomal dominant inheritance. Affected: yes.
Comment: ACMG criteria used: PVS1, PS2_supporting and PM2

NM_001353345.2(SETD1B):c.3484del (p.Ser1162fs)

Gene: SETD1B (SET domain containing 1B, histone lysine methyltransferase; plus strand). Cytogenetic location: 12q24.31.
Variant type: Deletion.
Coding change: c.3484del on transcript NM_001353345.2 (MANE Select); coding-DNA position 3484, one base deleted (T; older notation c.3484delT).
Protein change: p.Ser1162fs; shifts the reading frame from serine 1162.
Molecular consequence: frameshift variant.
Genome position (GRCh38, 1-based): chr12:121,819,469, T deleted; the last of 2 consecutive T bases (chr12:121,819,468-121,819,469); deleting either gives the same sequence. VCF-style (leftmost placement, unchanged base first): chr12-121819467-CT-C. GRCh37 (hg19) VCF-style: chr12-122257373-CT-C.
Other names: short protein forms S1162fs.
Identifiers: ClinVar variation 3767998 (VCV003767998.1).
Genomic context (GRCh38, chr12:121,819,467, plus strand): 5'-AGACAGTGAGCATTGTAACCTCCAAGGCCGAAGCCACGTCGTCCAGTGAGAGTTCCGAGT[CT>C]TCTGAGTTTGAGTCAAGCTCCGAGTCCTCGCCCTCATCCTCGGAGGATGAGGAGGAGGTA-3'